The following is an entry in ClinVar:

NM_139318.5(KCNH5):c.1939C>T (p.Leu647Phe)

Gene: KCNH5 (potassium voltage-gated channel subfamily H member 5; minus strand). Cytogenetic location: 14q23.2.
Variant type: single nucleotide variant.
Coding change: c.1939C>T on transcript NM_139318.5 (MANE Select); coding-DNA position 1939, C replaced by T.
Protein change: p.Leu647Phe; replaces leucine 647 with phenylalanine.
Molecular consequence: missense variant. On other transcripts: intron variant (1).
Genome position (GRCh38, 1-based): chr14:62,779,808, G>A on the plus strand (C>T on the coding strand, the complement: KCNH5 is on the minus strand). VCF-style: chr14-62779808-G-A. GRCh37 (hg19) VCF-style: chr14-63246526-G-A.
Other names: c.1822+22521C>T (NM_172375.3); short protein forms L647F.
Identifiers: ClinVar variation 1931889 (VCV001931889.5), dbSNP rs2502755270, ClinGen allele CA390099175.

ClinVar aggregate classification (germline): Uncertain significance (1 of 4 stars; one submission).

Conditions:
Early-infantile DEE. Also called: Ohtahara syndrome; Early infantile epileptic encephalopathy; Early infantile epileptic encephalopathy with suppression bursts. Identifiers: Orphanet 1934, MedGen C0393706, MONDO:0800491.

Allele frequency attached by ClinVar (database versions not stated): gnomAD exomes below 0.00001.
gnomAD v4.1: 3 of 1,614,046 alleles (0.00019%); highest among the groups gnomAD compares: Non-Finnish European, 0.00025%; no homozygotes.

Submission:

Labcorp Genetics (formerly Invitae), Labcorp
Classification: Uncertain significance for Early-infantile DEE. Last evaluated: 2022-10-08. Review status: criteria provided, single submitter. Criteria: Invitae Variant Classification Sherloc (09022015). Collection method: clinical testing. Allele origin: germline.
Comment: In summary, the available evidence is currently insufficient to determine the role of this variant in disease. Therefore, it has been classified as a Variant of Uncertain Significance. Advanced modeling of protein sequence and biophysical properties (such as structural, functional, and spatial information, amino acid conservation, physicochemical variation, residue mobility, and thermodynamic stability) performed at Invitae indicates that this missense variant is not expected to disrupt KCNH5 protein function. This variant has not been reported in the literature in individuals affected with KCNH5-related conditions. This variant is not present in population databases (gnomAD no frequency). This sequence change replaces leucine, which is neutral and non-polar, with phenylalanine, which is neutral and non-polar, at codon 647 of the KCNH5 protein (p.Leu647Phe).